The following is an entry in ClinVar:

NM_000138.5(FBN1):c.8281A>G (p.Thr2761Ala)

Gene: FBN1 (fibrillin 1; minus strand). Cytogenetic location: 15q21.1.
Variant type: single nucleotide variant.
Coding change: c.8281A>G on transcript NM_000138.5 (MANE Select); coding-DNA position 8281, A replaced by G.
Protein change: p.Thr2761Ala; replaces threonine 2761 with alanine.
Molecular consequence: missense variant.
Genome position (GRCh38, 1-based): chr15:48,411,325, T>C on the plus strand (A>G on the coding strand, the complement: FBN1 is on the minus strand). VCF-style: chr15-48411325-T-C. GRCh37 (hg19) VCF-style: chr15-48703522-T-C.
Other names: c.8281A>G, p.Thr2761Ala (NM_001406716.1); short protein forms T2761A.
Identifiers: ClinVar variation 2502816 (VCV002502816.2), dbSNP rs1242744120, ClinGen allele CA392319937.
Genomic context (GRCh38, chr15:48,411,325, plus strand): 5'-GGAGTTCTAGGATTCGAACCTTGTTACTGACGTGGGAAATATTGAAAGCAAAGATGGCTG[T>C]CTTCTCAACATCCCAACTTGCAAGACTCACATTGGCTTCTGTCTCAGACTGATCCTGGAA-3'
Protein context (NP_000129.3, residues 2751-2771): VSLASWDVEK[Thr2761Ala]AIFAFNISHV

ClinVar aggregate classification (germline): Uncertain significance. Review status: criteria provided, multiple submitters, no conflicts (2 of 4 stars). 2 submissions from 2 submitters: Uncertain significance (2). Last evaluated 2023-05-19.

Conditions:
Marfan syndrome (MFS). Also called: MARFAN SYNDROME, TYPE I; FBN1-Related Marfan Syndrome; Marfan syndrome type 1; Marfan's syndrome; Marfan syndrome, classic. Identifiers: Orphanet 284963, Orphanet 558, MedGen C0024796, MONDO:0007947, OMIM 154700.

Allele frequency attached by ClinVar (database versions not stated): TOPMed below 0.00001.

Submissions (2):

GeneDx
Classification: Uncertain significance. Last evaluated: 2023-05-19. Review status: criteria provided, single submitter. Criteria: GeneDx Variant Classification Process June 2021. Collection method: clinical testing. Allele origin: germline. Affected: yes.
Comment: Not observed at significant frequency in large population cohorts (gnomAD); In silico analysis supports that this missense variant does not alter protein structure/function; Has not been previously published as pathogenic or benign to our knowledge; Does not affect a cysteine residue within a calcium-binding EGF-like domain of the FBN1 gene; cysteine substitutions in the calcium-binding EGF-like domains represent the majority of pathogenic missense changes associated with FBN1-related disorders (Collod-Beroud et al., 2003).

All of Us Research Program, National Institutes of Health
Classification: Uncertain significance for Marfan syndrome. Last evaluated: 2023-04-03. Review status: criteria provided, single submitter. Criteria: ACMG Guidelines, 2015. Collection method: clinical testing. Allele origin: germline. Inheritance: Autosomal dominant inheritance. Observed: 1 variant allele, 1 heterozygote.
Comment: This missense variant replaces threonine with alanine at codon 2761 of the FBN1 protein. Computational prediction suggests that this variant may not impact protein structure and function (internally defined REVEL score threshold <= 0.5, PMID: 27666373). To our knowledge, functional studies have not been reported for this variant. This variant has not been reported in individuals affected with FBN1-related disorders in the literature. This variant has not been identified in the general population by the Genome Aggregation Database (gnomAD). The available evidence is insufficient to determine the role of this variant in disease conclusively. Therefore, this variant is classified as a Variant of Uncertain Significance.

This study involves interpretation of variants in research participants for the purpose of population health screening. Participant phenotype was not available at the time of variant classification. Additional details can be found in publication PMID: 35346344, PMCID: PMC8962531